The following is an entry in ClinVar:

NM_001329943.3(KIAA0586):c.3777C>T (p.Pro1259=)

Gene: KIAA0586 (KIAA0586; plus strand). Cytogenetic location: 14q23.1.
Variant type: single nucleotide variant.
Coding change: c.3777C>T on transcript NM_001329943.3 (MANE Select); coding-DNA position 3777, C replaced by T.
Protein change: p.Pro1259=; no amino-acid change (proline 1259 retained).
Molecular consequence: synonymous variant.
Genome position (GRCh38, 1-based): chr14:58,488,870, C>T. VCF-style: chr14-58488870-C-T. GRCh37 (hg19) VCF-style: chr14-58955588-C-T.
Other names: c.3936C>T (NM_001244189.1); c.3936C>T, p.Pro1312= (NM_001244189.2); c.3732C>T, p.Pro1244= (NM_001244190.2); c.3522C>T, p.Pro1174= (NM_001244191.2, NM_001329945.2, NM_001364700.1 and 1 more transcripts); c.3645C>T, p.Pro1215= (NM_001244192.2); c.3357C>T, p.Pro1119= (NM_001244193.2); c.3777C>T, p.Pro1259= (NM_001329944.2, NM_001329946.2, NM_001329947.2); c.3549C>T, p.Pro1183= (NM_014749.5).
Identifiers: ClinVar variation 2922646 (VCV002922646.7), dbSNP rs2042649485, ClinGen allele CA486665262.

ClinVar aggregate classification (germline): Likely benign. Review status: criteria provided, multiple submitters, no conflicts (2 of 4 stars). 3 submissions from 3 submitters: Likely benign (2). 1 of the submissions does not count toward it. Last evaluated 2026-05-01.

Conditions:
KIAA0586-related disorder. Also called: KIAA0586-related condition; KIAA0586- Related disorders.
Joubert syndrome 23 (JBTS23). Identifiers: Orphanet 475, MedGen C4084822, MONDO:0014664, OMIM 616490.
Short-rib thoracic dysplasia 14 with polydactyly (SRTD14). Identifiers: Orphanet 397715, MedGen C4225286, MONDO:0014688, OMIM 616546.

Allele frequency attached by ClinVar (database versions not stated): TOPMed below 0.00001; gnomAD exomes 0.00001.
gnomAD v4.1: 3 of 1,613,232 alleles (0.00019%); highest among the groups gnomAD compares: Middle Eastern, 0.017%; no homozygotes.

Submissions (3):

CeGaT Center for Human Genetics Tuebingen
Classification: Likely benign. Last evaluated: 2026-05-01. Review status: criteria provided, single submitter. Criteria: CeGaT Center For Human Genetics Tuebingen Variant Classification Criteria Version 2. Collection method: clinical testing. Allele origin: germline. Affected: yes. Observed: 1 variant allele.
Comment: KIAA0586: BP4, BP7

Labcorp Genetics (formerly Invitae), Labcorp
Classification: Likely benign for Joubert syndrome 23; Short-rib thoracic dysplasia 14 with polydactyly. Last evaluated: 2025-08-04. Review status: criteria provided, single submitter. Criteria: Invitae Variant Classification Sherloc (09022015). Collection method: clinical testing. Allele origin: germline.

PreventionGenetics, part of Exact Sciences
Classification: Likely benign for KIAA0586-related condition. Last evaluated: 2019-02-27. Review status: no assertion criteria provided. Collection method: clinical testing. Allele origin: germline. Not counted in ClinVar's aggregate classification.
Comment: This variant is classified as likely benign based on ACMG/AMP sequence variant interpretation guidelines (Richards et al. 2015 PMID: 25741868, with internal and published modifications).